The following is an entry in ClinVar:

NM_001384732.1(CPLANE1):c.8746T>C (p.Ser2916Pro)

Gene: CPLANE1 (ciliogenesis and planar polarity effector complex subunit 1; minus strand). Cytogenetic location: 5p13.2.
Variant type: single nucleotide variant.
Coding change: c.8746T>C on transcript NM_001384732.1 (MANE Select); coding-DNA position 8746, T replaced by C.
Protein change: p.Ser2916Pro; replaces serine 2916 with proline.
Molecular consequence: missense variant.
Genome position (GRCh38, 1-based): chr5:37,138,766, A>G on the plus strand (T>C on the coding strand, the complement: CPLANE1 is on the minus strand). VCF-style: chr5-37138766-A-G. GRCh37 (hg19) VCF-style: chr5-37138868-A-G.
Other names: c.8584T>C, p.Ser2862Pro (NM_023073.4); c.8584T>C (NM_023073.3); short protein forms S2862P, S2916P.
Identifiers: ClinVar variation 1058234 (VCV001058234.6), dbSNP rs139554617, ClinGen allele CA3237686.

ClinVar aggregate classification (germline): Uncertain significance. Review status: criteria provided, multiple submitters, no conflicts (2 of 4 stars). 2 submissions from 2 submitters: Uncertain significance (2). Last evaluated 2023-12-24.

Conditions:
Orofaciodigital syndrome type 6 (OFD6). Also called: OROFACIODIGITAL SYNDROME VI; OFDS VI; POLYDACTYLY, CLEFT LIP/PALATE OR LINGUAL LUMP, AND PSYCHOMOTOR RETARDATION; VARADI SYNDROME; VARADI-PAPP SYNDROME; Oral-facial-digital syndrome type 6. Identifiers: Orphanet 2754, MedGen C2745997, MONDO:0010176, OMIM 277170.
Joubert syndrome 17 (JBTS17). Identifiers: Orphanet 475, MedGen C3553264, MONDO:0013824, OMIM 614615.

Allele frequency attached by ClinVar (database versions not stated): gnomAD exomes 0.00002 and 0.00004; TOPMed 0.00002; ExAC 0.00003; gnomAD 0.00003; ESP Exome Variant Server 0.00015.
gnomAD v4.1: 20 of 1,613,170 alleles (0.0012%); highest among the groups gnomAD compares: East Asian, 0.029%; no homozygotes.

Submissions (2):

Fulgent Genetics
Classification: Uncertain significance for Orofaciodigital syndrome type 6; Joubert syndrome 17. Last evaluated: 2023-12-24. Review status: criteria provided, single submitter. Criteria: ACMG Guidelines, 2015. Collection method: clinical testing. Allele origin: germline.

Labcorp Genetics (formerly Invitae), Labcorp
Classification: Uncertain significance. Last evaluated: 2022-11-22. Review status: criteria provided, single submitter. Criteria: Invitae Variant Classification Sherloc (09022015). Collection method: clinical testing. Allele origin: germline.
Comment: In summary, the available evidence is currently insufficient to determine the role of this variant in disease. Therefore, it has been classified as a Variant of Uncertain Significance. Advanced modeling of protein sequence and biophysical properties (such as structural, functional, and spatial information, amino acid conservation, physicochemical variation, residue mobility, and thermodynamic stability) performed at Invitae indicates that this missense variant is not expected to disrupt CPLANE1 protein function. ClinVar contains an entry for this variant (Variation ID: 1058234). This variant has not been reported in the literature in individuals affected with CPLANE1-related conditions. This variant is present in population databases (rs139554617, gnomAD 0.04%). This sequence change replaces serine, which is neutral and polar, with proline, which is neutral and non-polar, at codon 2862 of the CPLANE1 protein (p.Ser2862Pro).